The following is an entry in ClinVar:

ClinVar aggregate classification (germline): Uncertain significance (1 of 4 stars; one submission).

Allele frequency attached by ClinVar (database versions not stated): gnomAD 0.00001; ExAC 0.00002; gnomAD exomes 0.00002.
gnomAD v4.1: 16 of 1,609,774 alleles (0.00099%); highest among the groups gnomAD compares: Admixed American, 0.012%; no homozygotes.

Submission:

Labcorp Genetics (formerly Invitae), Labcorp
Classification: Uncertain significance. Last evaluated: 2024-01-31. Review status: criteria provided, single submitter. Criteria: Invitae Variant Classification Sherloc (09022015). Collection method: clinical testing. Allele origin: germline.
Comment: This sequence change replaces alanine, which is neutral and non-polar, with serine, which is neutral and polar, at codon 794 of the FUK protein (p.Ala794Ser). This variant is present in population databases (rs780967695, gnomAD 0.01%). This variant has not been reported in the literature in individuals affected with FUK-related conditions. ClinVar contains an entry for this variant (Variation ID: 1905320). An algorithm developed to predict the effect of missense changes on protein structure and function (PolyPhen-2) suggests that this variant is likely to be tolerated. In summary, the available evidence is currently insufficient to determine the role of this variant in disease. Therefore, it has been classified as a Variant of Uncertain Significance.

NM_145059.3(FCSK):c.2380G>T (p.Ala794Ser)

Gene: FCSK (fucose kinase; plus strand). Cytogenetic location: 16q22.1.
Variant type: single nucleotide variant.
Coding change: c.2380G>T on transcript NM_145059.3 (MANE Select); coding-DNA position 2380, G replaced by T.
Protein change: p.Ala794Ser; replaces alanine 794 with serine.
Molecular consequence: missense variant.
Genome position (GRCh38, 1-based): chr16:70,475,352, G>T. VCF-style: chr16-70475352-G-T. GRCh37 (hg19) VCF-style: chr16-70509255-G-T.
Other names: short protein forms A794S.
Identifiers: ClinVar variation 1905320 (VCV001905320.5), dbSNP rs780967695, ClinGen allele CA8143587.